The following is an entry in ClinVar:

ClinVar aggregate classification (germline): Benign/Likely benign. Review status: criteria provided, multiple submitters, no conflicts (2 of 4 stars). 4 submissions from 4 submitters: Benign (1); Likely benign (3). Last evaluated 2025-11-13.

Conditions:
Marinesco-Sjögren syndrome (MSS). Also called: Marinesco-SjÃ¶gren syndrome; Marinesco-Sjogren Syndrome. Identifiers: Orphanet 559, MedGen C0024814, MONDO:0009567, OMIM 248800.

Allele frequency attached by ClinVar (database versions not stated): gnomAD exomes 0.00003 and 0.00008; ExAC 0.00010; 1000 Genomes Project 0.00020; 1000 Genomes Project 30x 0.00031; gnomAD 0.00031 and 0.00033; TOPMed 0.00034; ESP Exome Variant Server 0.00077.
gnomAD v4.1: 92 of 1,613,612 alleles (0.0057%); highest among the groups gnomAD compares: African/African-American, 0.1%; no homozygotes.

Submissions (4):

Labcorp Genetics (formerly Invitae), Labcorp
Classification: Likely benign for Marinesco-Sjögren syndrome. Last evaluated: 2025-11-13. Review status: criteria provided, single submitter. Criteria: Invitae Variant Classification Sherloc (09022015). Collection method: clinical testing. Allele origin: germline.

Blueprint Genetics
Classification: Likely benign. Last evaluated: 2024-09-13. Review status: criteria provided, single submitter. Criteria: ACMG Guidelines, 2015. Collection method: clinical testing. Allele origin: germline.

Athena Diagnostics
Classification: Benign. Last evaluated: 2020-02-12. Review status: criteria provided, single submitter. Criteria: Athena Diagnostics Criteria. Collection method: clinical testing. Allele origin: unknown.

GeneDx
Classification: Likely benign. Last evaluated: 2017-12-13. Review status: criteria provided, single submitter. Criteria: GeneDx Variant Classification (06012015). Collection method: clinical testing. Allele origin: germline. Affected: yes.
Comment: This variant is considered likely benign or benign based on one or more of the following criteria: it is a conservative change, it occurs at a poorly conserved position in the protein, it is predicted to be benign by multiple in silico algorithms, and/or has population frequency not consistent with disease.

NM_022464.5(SIL1):c.1161G>A (p.Ala387=)

Gene: SIL1 (SIL1 nucleotide exchange factor; minus strand). Cytogenetic location: 5q31.2.
Variant type: single nucleotide variant.
Coding change: c.1161G>A on transcript NM_022464.5 (MANE Select); coding-DNA position 1161, G replaced by A.
Protein change: p.Ala387=; no amino-acid change (alanine 387 retained).
Molecular consequence: synonymous variant.
Genome position (GRCh38, 1-based): chr5:138,947,342, C>T on the plus strand (G>A on the coding strand, the complement: SIL1 is on the minus strand). VCF-style: chr5-138947342-C-T. GRCh37 (hg19) VCF-style: chr5-138283031-C-T.
Other names: c.1161G>A, p.Ala387= (NM_001037633.2).
Identifiers: ClinVar variation 514035 (VCV000514035.13), dbSNP rs140171020, ClinGen allele CA3432359.
Genomic context (GRCh38, chr5:138,947,342, plus strand): 5'-GGTGGTCAGGAGGACGCCCAGTGTCTGCAGCACCTTCTCACGGGCATCATGCTCGGGCAG[C>T]GCCAGGAGGTGGGCCGTGATCTCGCACCAGCCCTGTTCCCACAGGCCTGGCAGGAGGTGT-3'
Protein context (NP_071909.1, residues 377-397): GWCEITAHLL[Ala387=]LPEHDAREKV